The following is an entry in ClinVar:

NM_001085487.3(MYSM1):c.1709_1710insTTGAAGA (p.Glu570delinsAspTer)

Gene: MYSM1 (Myb like, SWIRM and MPN domains 1; minus strand). Cytogenetic location: 1p32.1.
Variant type: Insertion.
Coding change: c.1709_1710insTTGAAGA on transcript NM_001085487.3 (MANE Select); coding-DNA positions 1709 to 1710, TTGAAGA inserted.
Protein change: p.Glu570delinsAspTer.
Molecular consequence: nonsense.
Genome position: GRCh38 VCF-style: chr1-58668990-T-TTCTTCAA. GRCh37 (hg19) VCF-style: chr1-59134662-T-TTCTTCAA.
Identifiers: ClinVar variation 2905566 (VCV002905566.3), dbSNP rs775930259, ClinGen allele CA877714.

ClinVar aggregate classification (germline): Pathogenic (1 of 4 stars; one submission).

Submission:

Labcorp Genetics (formerly Invitae), Labcorp
Classification: Pathogenic. Last evaluated: 2025-11-09. Review status: criteria provided, single submitter. Criteria: Invitae Variant Classification Sherloc (09022015). Collection method: clinical testing. Allele origin: germline.
Comment: This sequence change creates a premature translational stop signal (p.Glu570delinsAsp*) in the MYSM1 gene. It is expected to result in an absent or disrupted protein product. Loss-of-function variants in MYSM1 are known to be pathogenic (PMID: 24288411, 28115216). This variant is present in population databases (rs775930259, gnomAD 0.01%). This variant has not been reported in the literature in individuals affected with MYSM1-related conditions. ClinVar contains an entry for this variant (Variation ID: 2905566). For these reasons, this variant has been classified as Pathogenic.

Literature cited by the submitters: PubMed 24288411; PubMed 28115216.